The following is an entry in ClinVar:

ClinVar aggregate classification (germline): Benign. Review status: criteria provided, multiple submitters, no conflicts (2 of 4 stars). 6 submissions from 6 submitters: Benign (6). Last evaluated 2026-01-28.

Conditions:
Cataract 6 multiple types. Also called: CATARACT, AGE-RELATED CORTICAL, 2; CATARACT 6, POSTERIOR POLAR; CATARACT 6, CONGENITAL TOTAL. Identifiers: Orphanet 91492, MedGen C1861825, MONDO:0007288, OMIM 116600.

Allele frequency attached by ClinVar (database versions not stated): 1000 Genomes Project 0.22644; 1000 Genomes Project 30x 0.23032; TOPMed 0.27437; gnomAD 0.27639 and 0.27717; ESP Exome Variant Server 0.28495; ExAC 0.28999; gnomAD exomes 0.29833 and 0.32476.
gnomAD v4.1: 514,540 of 1,607,608 alleles (32%); highest among the groups gnomAD compares: Middle Eastern, 45%; 86,756 homozygotes.

Submissions (6):

Labcorp Genetics (formerly Invitae), Labcorp
Classification: Benign for Cataract 6 multiple types. Last evaluated: 2026-01-28. Review status: criteria provided, single submitter. Criteria: Invitae Variant Classification Sherloc (09022015). Collection method: clinical testing. Allele origin: germline.

Genome-Nilou Lab
Classification: Benign for Cataract 6 multiple types. Last evaluated: 2021-07-30. Review status: criteria provided, single submitter. Criteria: ACMG Guidelines, 2015. Collection method: clinical testing. Allele origin: germline. Affected: no.

GeneDx
Classification: Benign. Last evaluated: 2018-05-01. Review status: criteria provided, single submitter. Criteria: GeneDx Variant Classification (06012015). Collection method: clinical testing. Allele origin: germline. Affected: yes.
Comment: This variant is considered likely benign or benign based on one or more of the following criteria: it is a conservative change, it occurs at a poorly conserved position in the protein, it is predicted to be benign by multiple in silico algorithms, and/or has population frequency not consistent with disease.

Illumina Laboratory Services, Illumina
Classification: Benign for Cataract 6 multiple types. Last evaluated: 2018-01-12. Review status: criteria provided, single submitter. Criteria: ICSL Variant Classification Criteria 13 December 2019. Collection method: clinical testing. Allele origin: germline.
Comment: This variant was observed in the ICSL laboratory as part of a predisposition screen in an ostensibly healthy population. It had not been previously curated by ICSL or reported in the Human Gene Mutation Database (HGMD: prior to June 1st, 2018), and was therefore a candidate for classification through an automated scoring system. Utilizing variant allele frequency, disease prevalence and penetrance estimates, and inheritance mode, an automated score was calculated to assess if this variant is too frequent to cause the disease. Based on the score and internal cut-off values, a variant classified as benign is not then subjected to further curation. The score for this variant resulted in a classification of benign for this disease.

Breakthrough Genomics
Classification: Benign. Review status: criteria provided, single submitter. Criteria: ACMG Guidelines, 2015. Collection method: not provided. Allele origin: germline. Inheritance: Autosomal dominant inheritance. Affected: yes.

PreventionGenetics, part of Exact Sciences
Classification: Benign. Review status: criteria provided, single submitter. Criteria: ACMG Guidelines, 2015. Collection method: clinical testing. Allele origin: germline.

NM_004431.5(EPHA2):c.573G>A (p.Leu191=)

Gene: EPHA2 (EPH receptor A2; minus strand). Cytogenetic location: 1p36.13.
Variant type: single nucleotide variant.
Coding change: c.573G>A on transcript NM_004431.5 (MANE Select); coding-DNA position 573, G replaced by A.
Protein change: p.Leu191=; no amino-acid change (leucine 191 retained).
Molecular consequence: synonymous variant.
Genome position (GRCh38, 1-based): chr1:16,148,628, C>T on the plus strand (G>A on the coding strand, the complement: EPHA2 is on the minus strand). VCF-style: chr1-16148628-C-T. GRCh37 (hg19) VCF-style: chr1-16475123-C-T.
Other names: c.411G>A, p.Leu137= (NM_001329090.2).
Identifiers: ClinVar variation 259394 (VCV000259394.18), dbSNP rs6678616, ClinGen allele CA625484.